The following is an entry in ClinVar:

ClinVar aggregate classification (germline): Uncertain significance (1 of 4 stars; one submission).

Submission:

Labcorp Genetics (formerly Invitae), Labcorp
Classification: Uncertain significance. Last evaluated: 2023-09-19. Review status: criteria provided, single submitter. Criteria: Invitae Variant Classification Sherloc (09022015). Collection method: clinical testing. Allele origin: germline.
Comment: This sequence change replaces aspartic acid, which is acidic and polar, with valine, which is neutral and non-polar, at codon 531 of the TNNI3K protein (p.Asp531Val). In summary, the available evidence is currently insufficient to determine the role of this variant in disease. Therefore, it has been classified as a Variant of Uncertain Significance. Advanced modeling of protein sequence and biophysical properties (such as structural, functional, and spatial information, amino acid conservation, physicochemical variation, residue mobility, and thermodynamic stability) performed at Invitae indicates that this missense variant is not expected to disrupt TNNI3K protein function. This variant has not been reported in the literature in individuals affected with TNNI3K-related conditions. This variant is not present in population databases (gnomAD no frequency).

NM_015978.3(TNNI3K):c.1592A>T (p.Asp531Val)

Genes: FPGT-TNNI3K (FPGT-TNNI3K readthrough; plus strand), TNNI3K (TNNI3 interacting kinase; plus strand). Cytogenetic location: 1p31.1.
Variant type: single nucleotide variant.
Coding change: c.1592A>T on transcript NM_015978.3 (MANE Select); coding-DNA position 1592, A replaced by T.
Protein change: p.Asp531Val; replaces aspartic acid 531 with valine.
Molecular consequence: missense variant.
Genome position (GRCh38, 1-based): chr1:74,369,510, A>T. VCF-style: chr1-74369510-A-T. GRCh37 (hg19) VCF-style: chr1-74835194-A-T.
Other names: c.1895A>T, p.Asp632Val (NM_001112808.3, NM_001199327.2); short protein forms D632V, D531V.
Identifiers: ClinVar variation 2917225 (VCV002917225.3), dbSNP rs2524471095, ClinGen allele CA340786311.